The following is an entry in ClinVar:

ClinVar aggregate classification (germline): Conflicting classifications of pathogenicity. Review status: criteria provided, conflicting classifications (1 of 4 stars). 3 submissions from 3 submitters: Likely pathogenic (1); Uncertain significance (2). Last evaluated 2025-05-22.

Conditions:
Primary familial hypertrophic cardiomyopathy (HCM). Identifiers: Orphanet 99739, MedGen C0949658, MeSH D024741, MONDO:0024573. Inheritance: Various modes of inheritance.
Atrial septal defect 5 (ASD5). Identifiers: Orphanet 1478, MedGen C2748552, MONDO:0013011, OMIM 612794.
Hypertrophic cardiomyopathy 11. Also called: ACTC1-Related Familial Hypertrophic Cardiomyopathy. Identifiers: MedGen C2677506, MONDO:0012799, OMIM 612098.
Dilated cardiomyopathy 1R (CMD1R). Identifiers: Orphanet 154, Orphanet 54260, MedGen C3150681, MONDO:0013261, OMIM 613424.

Submissions (3):

Labcorp Genetics (formerly Invitae), Labcorp
Classification: Uncertain significance for Dilated cardiomyopathy 1R; Hypertrophic cardiomyopathy 11; Atrial septal defect 5. Last evaluated: 2025-05-22. Review status: criteria provided, single submitter. Criteria: Invitae Variant Classification Sherloc (09022015). Collection method: clinical testing. Allele origin: germline.
Comment: This sequence change replaces phenylalanine, which is neutral and non-polar, with leucine, which is neutral and non-polar, at codon 23 of the ACTC1 protein (p.Phe23Leu). This variant is not present in population databases (gnomAD no frequency). This missense change has been observed in individuals with hypertrophic cardiomyopathy (PMID: 25524337, 35626289). ClinVar contains an entry for this variant (Variation ID: 35647). Invitae Evidence Modeling of protein sequence and biophysical properties (such as structural, functional, and spatial information, amino acid conservation, physicochemical variation, residue mobility, and thermodynamic stability) indicates that this missense variant is not expected to disrupt ACTC1 protein function with a negative predictive value of 80%. In summary, the available evidence is currently insufficient to determine the role of this variant in disease. Therefore, it has been classified as a Variant of Uncertain Significance.

Women's Health and Genetics/Laboratory Corporation of America, LabCorp
Classification: Likely pathogenic for Primary familial hypertrophic cardiomyopathy. Last evaluated: 2023-05-04. Review status: criteria provided, single submitter. Criteria: LabCorp Variant Classification Summary - May 2015. Collection method: clinical testing. Allele origin: germline.
Comment: Variant summary: ACTC1 c.67T>C (p.Phe23Leu) results in a non-conservative amino acid change in the encoded protein sequence. Four of five in-silico tools predict a damaging effect of the variant on protein function. The variant was absent in 249894 control chromosomes (gnomAD). c.67T>C has been reported in the literature segregating in two unrelated families affected with Hypertrophic Cardiomyopathy (Coppini_2014). These data indicate that the variant is likely to be associated with disease. To our knowledge, no experimental evidence demonstrating an impact on protein function has been reported. The following publications have been ascertained in the context of this evaluation (PMID: 25524337, 35626289). Two ClinVar submitters have assessed the variant since 2014: the variant was classified as uncertain significance. Based on the evidence outlined above, the variant was classified as likely pathogenic.

GeneDx
Classification: Uncertain significance. Last evaluated: 2022-06-15. Review status: criteria provided, single submitter. Criteria: GeneDx Variant Classification Process June 2021. Collection method: clinical testing. Allele origin: germline. Affected: yes.
Comment: Not observed at significant frequency in large population cohorts (gnomAD); In silico analysis supports that this missense variant does not alter protein structure/function; This variant is associated with the following publications: (PMID: 25524337)

Literature cited by the submitters: PubMed 25524337 (cited by Labcorp Genetics (formerly Invitae), Labcorp and Women's Health and Genetics/Laboratory Corporation of America, LabCorp); PubMed 35626289 (cited by Labcorp Genetics (formerly Invitae), Labcorp and Women's Health and Genetics/Laboratory Corporation of America, LabCorp).

NM_005159.5(ACTC1):c.67T>C (p.Phe23Leu)

Genes: ACTC1 (actin alpha cardiac muscle 1; minus strand), GJD2-DT (GJD2 divergent transcript; plus strand). Cytogenetic location: 15q14.
Variant type: single nucleotide variant.
Coding change: c.67T>C on transcript NM_005159.5 (MANE Select); coding-DNA position 67, T replaced by C.
Protein change: p.Phe23Leu; replaces phenylalanine 23 with leucine.
Molecular consequence: missense variant.
Genome position (GRCh38, 1-based): chr15:34,794,742, A>G on the plus strand (T>C on the coding strand, the complement: ACTC1 is on the minus strand). VCF-style: chr15-34794742-A-G. GRCh37 (hg19) VCF-style: chr15-35086943-A-G.
Other names: c.67T>C (LRG_388t1); short protein forms F23L.
Identifiers: ClinVar variation 35647 (VCV000035647.17), dbSNP rs193922681, ClinGen allele CA019869.
Genomic context (GRCh38, chr15:34,794,742, plus strand): 5'-GGTGCCGCGGGCGGCCCACGATGGACGGGAAGACAGCGCGGGGCGCGTCATCGCCCGCAA[A>G]GCCGGCCTTCACCAGCCCAGAGCCGTTGTCGCACACCAGGGCGGTGGTCTCCTCGTCGTC-3'
Protein context (NP_005150.1, residues 13-33): DNGSGLVKAG[Phe23Leu]AGDDAPRAVF